The following is an entry in ClinVar:

NM_018116.4(MSTO1):c.931G>A (p.Glu311Lys)

Gene: MSTO1 (misato mitochondrial distribution and morphology regulator 1; plus strand). Cytogenetic location: 1q22.
Variant type: single nucleotide variant.
Coding change: c.931G>A on transcript NM_018116.4 (MANE Select); coding-DNA position 931, G replaced by A.
Protein change: p.Glu311Lys; replaces glutamic acid 311 with lysine.
Molecular consequence: missense variant. On other transcripts: non-coding transcript variant (6).
Genome position (GRCh38, 1-based): chr1:155,612,535, G>A. VCF-style: chr1-155612535-G-A. GRCh37 (hg19) VCF-style: chr1-155582326-G-A.
Other names: p.Glu311Lys; c.931G>A, p.Glu311Lys (NM_001256532.1, NM_001256533.1, NM_001350772.1 and 3 more transcripts); c.766G>A, p.Glu256Lys (NM_001350776.1); c.400G>A, p.Glu134Lys (NM_001350777.1, NM_001350778.1, NM_001350779.1); c.397G>A, p.Glu133Lys (NM_001350780.1, NM_001350781.1, NM_001350782.1 and 3 more transcripts); c.388G>A, p.Glu130Lys (NM_001350784.1, NM_001350785.1, NM_001350787.1 and 1 more transcripts); c.931G>A (NM_018116.3); short protein forms E133K, E256K, E130K, E134K, E311K.
Identifiers: ClinVar variation 1415994 (VCV001415994.10), dbSNP rs149058840, ClinGen allele CA1148064.

ClinVar aggregate classification (germline): Conflicting classifications of pathogenicity. Review status: criteria provided, conflicting classifications (1 of 4 stars). 3 submissions from 3 submitters: Uncertain significance (2); Likely benign (1). Last evaluated 2025-08-04.

Allele frequency attached by ClinVar (database versions not stated): ExAC 0.00009; ESP Exome Variant Server 0.00023; TOPMed 0.00029; gnomAD 0.00034 and 0.00035; 1000 Genomes Project 30x 0.00062; 1000 Genomes Project 0.00080.
gnomAD v4.1: 107 of 1,613,144 alleles (0.0066%); highest among the groups gnomAD compares: African/African-American, 0.11%; no homozygotes.

Submissions (3):

Mayo Clinic Laboratories, Mayo Clinic
Classification: Uncertain significance. Last evaluated: 2025-08-04. Review status: criteria provided, single submitter. Criteria: ACMG Guidelines, 2015. Collection method: clinical testing. Allele origin: germline. Observed: 2 variant alleles.
Comment: BP4_moderate

Labcorp Genetics (formerly Invitae), Labcorp
Classification: Likely benign. Last evaluated: 2025-01-27. Review status: criteria provided, single submitter. Criteria: Invitae Variant Classification Sherloc (09022015). Collection method: clinical testing. Allele origin: germline.

Breakthrough Genomics
Classification: Uncertain significance. Review status: criteria provided, single submitter. Criteria: ACMG Guidelines, 2015. Collection method: not provided. Allele origin: germline. Inheritance: Autosomal recessive inheritance. Affected: yes.